The following is an entry in ClinVar:

ClinVar aggregate classification (germline): Benign. Review status: criteria provided, multiple submitters, no conflicts (2 of 4 stars). 3 submissions from 3 submitters: Benign (3). Last evaluated 2026-01-27.

Allele frequency attached by ClinVar (database versions not stated): 1000 Genomes Project 30x 0.00219; 1000 Genomes Project 0.00240; ExAC 0.00478; ESP Exome Variant Server 0.00548; gnomAD 0.00553 and 0.00627; gnomAD exomes 0.00559 and 0.00775; TOPMed 0.00584.
gnomAD v4.1: 11,465 of 1,522,738 alleles (0.75%); highest among the groups gnomAD compares: Non-Finnish European, 0.89%; 56 homozygotes.

Submissions (3):

Labcorp Genetics (formerly Invitae), Labcorp
Classification: Benign. Last evaluated: 2026-01-27. Review status: criteria provided, single submitter. Criteria: Invitae Variant Classification Sherloc (09022015). Collection method: clinical testing. Allele origin: germline.

GeneDx
Classification: Benign. Last evaluated: 2019-01-24. Review status: criteria provided, single submitter. Criteria: GeneDx Variant Classification Process June 2021. Collection method: clinical testing. Allele origin: germline. Affected: yes.

Laboratory for Molecular Medicine, Mass General Brigham Personalized Medicine
Classification: Benign. Last evaluated: 2017-08-23. Review status: criteria provided, single submitter. Criteria: LMM Criteria. Collection method: clinical testing. Allele origin: germline. Observed: 1 variant allele.
Comment: c.3107-12T>C in intron 22 of FAM65B: This variant is not expected to have clinic al significance because it does not alter an amino acid residue, is not located within the splice consensus sequence, and has been identified in 0.82% (76/9312) of European chromosomes by the Exome Aggregation Consortium (ExAC.; dbSNP rs115680381).

NM_001286445.3(RIPOR2):c.3044-12T>C

Gene: RIPOR2 (RHO family interacting cell polarization regulator 2; minus strand). Cytogenetic location: 6p22.3.
Variant type: single nucleotide variant.
Coding change: c.3044-12T>C on transcript NM_001286445.3 (MANE Select); 12 bases into the intron before coding-DNA position 3044, T replaced by C.
Molecular consequence: intron variant.
Genome position (GRCh38, 1-based): chr6:24,806,485, A>G on the plus strand (T>C on the coding strand, the complement: RIPOR2 is on the minus strand). VCF-style: chr6-24806485-A-G. GRCh37 (hg19) VCF-style: chr6-24806713-A-G.
Other names: c.2957-12T>C (NM_001346031.2, NM_001346032.2); c.3107-12T>C (NM_014722.5).
Identifiers: ClinVar variation 517552 (VCV000517552.15), dbSNP rs115680381, ClinGen allele CA3659040.